The following is an entry in ClinVar:

ClinVar aggregate classification (germline): Benign/Likely benign. Review status: criteria provided, multiple submitters, no conflicts (2 of 4 stars). 3 submissions from 3 submitters: Benign (2); Likely benign (1). Last evaluated 2026-01-19.

Conditions:
Long QT syndrome (LQTS). Identifiers: MedGen C0023976, MeSH D008133, MONDO:0002442. Disease mechanism: loss of function. Inheritance: Various modes of inheritance.
Long QT syndrome 12 (LQT12). Identifiers: Orphanet 101016, Orphanet 768, MedGen C2751830, MONDO:0013062, OMIM 612955.

Allele frequency attached by ClinVar (database versions not stated): gnomAD exomes 0.00018; gnomAD 0.00020 and 0.00021; TOPMed 0.00020; ESP Exome Variant Server 0.00023; ExAC 0.00025.
gnomAD v4.1: 313 of 1,611,148 alleles (0.019%); highest among the groups gnomAD compares: Non-Finnish European, 0.0028%; 1 homozygote.

Submissions (3):

Labcorp Genetics (formerly Invitae), Labcorp
Classification: Benign for Long QT syndrome. Last evaluated: 2026-01-19. Review status: criteria provided, single submitter. Criteria: Invitae Variant Classification Sherloc (09022015). Collection method: clinical testing. Allele origin: germline.

Fulgent Genetics
Classification: Likely benign for Long QT syndrome 12. Last evaluated: 2021-08-10. Review status: criteria provided, single submitter. Criteria: ACMG Guidelines, 2015. Collection method: clinical testing. Allele origin: unknown.

GeneDx
Classification: Benign. Last evaluated: 2014-06-02. Review status: criteria provided, single submitter. Criteria: GeneDx Variant Classification (06012015). Collection method: clinical testing. Allele origin: germline. Affected: yes.
Comment: This variant is considered likely benign or benign based on one or more of the following criteria: it is a conservative change, it occurs at a poorly conserved position in the protein, it is predicted to be benign by multiple in silico algorithms, and/or has population frequency not consistent with disease.

NM_003098.3(SNTA1):c.909+17G>T

Gene: SNTA1 (syntrophin alpha 1; minus strand). Cytogenetic location: 20q11.21.
Variant type: single nucleotide variant.
Coding change: c.909+17G>T on transcript NM_003098.3 (MANE Select); 17 bases into the intron after coding-DNA position 909, G replaced by T.
Molecular consequence: intron variant.
Genome position (GRCh38, 1-based): chr20:33,412,558, C>A on the plus strand (G>T on the coding strand, the complement: SNTA1 is on the minus strand). VCF-style: chr20-33412558-C-A. GRCh37 (hg19) VCF-style: chr20-32000364-C-A.
Identifiers: ClinVar variation 139221 (VCV000139221.9), dbSNP rs376695170, ClinGen allele CA293634.